The following is an entry in ClinVar:

NM_006270.5(RRAS):c.9C>G (p.Ser3Arg)

Gene: RRAS (RAS related; minus strand). Cytogenetic location: 19q13.33.
Variant type: single nucleotide variant.
Coding change: c.9C>G on transcript NM_006270.5 (MANE Select); coding-DNA position 9, C replaced by G.
Protein change: p.Ser3Arg; replaces serine 3 with arginine.
Molecular consequence: missense variant.
Genome position (GRCh38, 1-based): chr19:49,640,090, G>C on the plus strand (C>G on the coding strand, the complement: RRAS is on the minus strand). VCF-style: chr19-49640090-G-C. GRCh37 (hg19) VCF-style: chr19-50143347-G-C.
Other names: short protein forms S3R.
Identifiers: ClinVar variation 2631818 (VCV002631818.1), dbSNP rs2081015859, ClinGen allele CA406850233.

ClinVar aggregate classification (germline): Uncertain significance (1 of 4 stars; one submission).

Conditions:
RRAS-related disorder. Also called: RRAS-related condition.

Submission:

PreventionGenetics, part of Exact Sciences
Classification: Uncertain significance for RRAS-related condition. Last evaluated: 2023-07-27. Review status: criteria provided, single submitter. Criteria: ACMG Guidelines, 2015. Collection method: clinical testing. Allele origin: germline.
Comment: The RRAS c.9C>G variant is predicted to result in the amino acid substitution p.Ser3Arg. To our knowledge, this variant has not been reported in the literature or in a large population database, indicating this variant is rare. At this time, the clinical significance of this variant is uncertain due to the absence of conclusive functional and genetic evidence.